The following is an entry in ClinVar:

ClinVar aggregate classification (germline): Likely benign. Review status: criteria provided, multiple submitters, no conflicts (2 of 4 stars). 3 submissions from 3 submitters: Likely benign (3). Last evaluated 2025-08-14.

Allele frequency attached by ClinVar (database versions not stated): gnomAD exomes 0.00001 and 0.00003; TOPMed 0.00001; ExAC 0.00002; gnomAD 0.00002 and 0.00003; 1000 Genomes Project 30x 0.00016; 1000 Genomes Project 0.00020.
gnomAD v4.1: 26 of 1,613,938 alleles (0.0016%); highest among the groups gnomAD compares: Non-Finnish European, 0.0021%; 1 homozygote.

Submissions (3):

Labcorp Genetics (formerly Invitae), Labcorp
Classification: Likely benign. Last evaluated: 2025-08-14. Review status: criteria provided, single submitter. Criteria: Invitae Variant Classification Sherloc (09022015). Collection method: clinical testing. Allele origin: germline.

Blueprint Genetics
Classification: Likely benign. Last evaluated: 2024-06-10. Review status: criteria provided, single submitter. Criteria: ACMG Guidelines, 2015. Collection method: clinical testing. Allele origin: germline.

GeneDx
Classification: Likely benign. Last evaluated: 2017-05-01. Review status: criteria provided, single submitter. Criteria: GeneDx Variant Classification (06012015). Collection method: clinical testing. Allele origin: germline. Affected: yes.
Comment: This variant is considered likely benign or benign based on one or more of the following criteria: it is a conservative change, it occurs at a poorly conserved position in the protein, it is predicted to be benign by multiple in silico algorithms, and/or has population frequency not consistent with disease.

NM_020247.5(COQ8A):c.589-18T>C

Gene: COQ8A (coenzyme Q8A; plus strand). Cytogenetic location: 1q42.13.
Variant type: single nucleotide variant.
Coding change: c.589-18T>C on transcript NM_020247.5 (MANE Select); 18 bases into the intron before coding-DNA position 589, T replaced by C.
Molecular consequence: intron variant.
Genome position (GRCh38, 1-based): chr1:226,965,653, T>C. VCF-style: chr1-226965653-T-C. GRCh37 (hg19) VCF-style: chr1-227153354-T-C.
Identifiers: ClinVar variation 509065 (VCV000509065.7), dbSNP rs143981558, ClinGen allele CA1425066.
Genomic context (GRCh38, chr1:226,965,653, plus strand): 5'-TGGGGGCAACAGGAGCCTCTGAAGGTTGGTCCTGTCCCCTTGGCTGATTCCACAGGTCTC[T>C]TTCTCGTCTCCCTCCAGCTCAGCGAGCATGCCCGGGAGCGGAAGGTGCCTGTGACGAGGA-3'